The following is an entry in ClinVar:

ClinVar aggregate classification (germline): Uncertain significance (1 of 4 stars; one submission).

Conditions:
NCAPD3-related disorder. Also called: NCAPD3-related condition.

Submission:

PreventionGenetics, part of Exact Sciences
Classification: Uncertain significance for NCAPD3-related condition. Last evaluated: 2025-09-23. Review status: criteria provided, single submitter. Criteria: ACMG Guidelines, 2015. Collection method: clinical testing. Allele origin: germline.
Comment: The NCAPD3 c.3482C>A variant is predicted to result in the amino acid substitution p.Ser1161Tyr. To our knowledge, this variant has not been reported in the literature or in a large population database (gnomAD), indicating this variant is rare. At this time, the clinical significance of this variant is uncertain due to the absence of conclusive functional and genetic evidence.

NM_015261.3(NCAPD3):c.3482C>A (p.Ser1161Tyr)

Gene: NCAPD3 (non-SMC condensin II complex subunit D3; minus strand). Cytogenetic location: 11q25.
Variant type: single nucleotide variant.
Coding change: c.3482C>A on transcript NM_015261.3 (MANE Select); coding-DNA position 3482, C replaced by A.
Protein change: p.Ser1161Tyr; replaces serine 1161 with tyrosine.
Molecular consequence: missense variant.
Genome position (GRCh38, 1-based): chr11:134,168,087, G>T on the plus strand (C>A on the coding strand, the complement: NCAPD3 is on the minus strand). VCF-style: chr11-134168087-G-T. GRCh37 (hg19) VCF-style: chr11-134037982-G-T.
Other names: c.3482C>A, p.Ser1161Tyr (NM_001372065.1, NM_001372068.1); c.3068C>A, p.Ser1023Tyr (NM_001372069.1, NM_001372070.1); short protein forms S1023Y, S1161Y.
Identifiers: ClinVar variation 4988460 (VCV004988460.1).